The following is an entry in ClinVar:

ClinVar aggregate classification (germline): Uncertain significance. Review status: reviewed by expert panel (3 of 4 stars). 6 submissions from 6 submitters: Uncertain significance (1). 5 of the submissions do not count toward it. Last evaluated 2023-07-23.

Conditions:
PAH-related disorder. Also called: PAH-related condition.
Phenylketonuria (PKU). Also called: Phenylketonurias; Phenylketonuria (PKU); OLIGOPHRENIA PHENYLPYRUVICA; FOLLING DISEASE. Identifiers: Orphanet 716, MedGen C0031485, MONDO:0009861, OMIM 261600. Disease mechanism: loss of function.

Allele frequency attached by ClinVar (database versions not stated): TOPMed below 0.00001; ExAC 0.00001; gnomAD 0.00001; gnomAD exomes 0.00001.
gnomAD v4.1: 12 of 1,613,948 alleles (0.00074%); highest among the groups gnomAD compares: Non-Finnish European, 0.001%; no homozygotes.

Submissions (6):

ClinGen PAH Variant Curation Expert Panel
Classification: Uncertain significance for Phenylketonuria. Last evaluated: 2023-07-23. Review status: reviewed by expert panel. Criteria: ClinGen PAH ACMG Specifications v1. Collection method: curation. Allele origin: germline. Inheritance: Autosomal recessive inheritance.
Comment: The c.307G>T (p.Gly103Cys) variant in PAH has been reported in 2 patients with PKU (BH4 deficiency not assessed/reported) (PP4; PMID: 17502162, 24368688). It was detected in unknown phase with a pathogenic variant c.1066-11G>A (PMID: 17502162) and a likely pathogenic variant p.Y154F (PMID: 24368688). This variant has extremely low frequency in ExAC (MAF=0.00001). Computational evidence supports a deleterious effect (REVEL=0.819). In summary, this variant meets criteria to be classified as uncertain significance for PAH. PAH-specific ACMG/AMP criteria applied: PP4, PM2_supporting, PM3_supporting, PP3_moderate.

Labcorp Genetics (formerly Invitae), Labcorp
Classification: Pathogenic for Phenylketonuria. Last evaluated: 2025-03-18. Review status: criteria provided, single submitter. Criteria: Invitae Variant Classification Sherloc (09022015). Collection method: clinical testing. Allele origin: germline. Not counted in ClinVar's aggregate classification.
Comment: This sequence change replaces glycine, which is neutral and non-polar, with cysteine, which is neutral and slightly polar, at codon 103 of the PAH protein (p.Gly103Cys). This variant is not present in population databases (gnomAD no frequency). This missense change has been observed in individuals with hyperphenylalaninemia (PMID: 17502162, 24368688, 32668217; internal data). ClinVar contains an entry for this variant (Variation ID: 553638). Invitae Evidence Modeling of protein sequence and biophysical properties (such as structural, functional, and spatial information, amino acid conservation, physicochemical variation, residue mobility, and thermodynamic stability) indicates that this missense variant is not expected to disrupt PAH protein function with a negative predictive value of 80%. This variant disrupts the p.Gly103 amino acid residue in PAH. Other variant(s) that disrupt this residue have been determined to be pathogenic (PMID: 31355225). This suggests that this residue is clinically significant, and that variants that disrupt this residue are likely to be disease-causing. For these reasons, this variant has been classified as Pathogenic.

Women's Health and Genetics/Laboratory Corporation of America, LabCorp
Classification: Uncertain significance. Last evaluated: 2024-05-21. Review status: criteria provided, single submitter. Criteria: LabCorp Variant Classification Summary - May 2015. Collection method: clinical testing. Allele origin: germline. Not counted in ClinVar's aggregate classification.
Comment: Variant summary: PAH c.307G>T (p.Gly103Cys) results in a non-conservative amino acid change located in the ACT domain (IPR002912) of the encoded protein sequence. Four of five in-silico tools predict a damaging effect of the variant on protein function. The frequency data for this variant in gnomAD is considered unreliable, as metrics indicate poor data quality at this position. c.307G>T has been reported in the literature in compound heterozygous individuals affected with Phenylalanine Hydroxylase Deficiency (Phenylketonuria) (e.g. Dobrowolski_2007, Ho_2014). These data indicate that the variant may be associated with disease. To our knowledge, no experimental evidence demonstrating an impact on protein function has been reported. The following publications have been ascertained in the context of this evaluation (PMID: 17502162, 32668217, 24368688). ClinVar contains an entry for this variant (Variation ID: 553638). Based on the evidence outlined above, the variant was classified as VUS-possibly pathogenic.

Laboratorio de Genetica e Diagnostico Molecular, Hospital Israelita Albert Einstein
Classification: Uncertain significance for Phenylketonuria. Last evaluated: 2024-01-30. Review status: criteria provided, single submitter. Criteria: ACMG Guidelines, 2015. Collection method: clinical testing. Allele origin: germline. Affected: yes. Not counted in ClinVar's aggregate classification.

Blueprint Genetics
Classification: Likely pathogenic for PAH-related disorders. Last evaluated: 2023-03-30. Review status: criteria provided, single submitter. Criteria: ACMG Guidelines, 2015. Collection method: clinical testing. Allele origin: germline. Affected: yes. Observed: 2 variant alleles. Not counted in ClinVar's aggregate classification.

Counsyl
Classification: Uncertain significance for Phenylketonuria. Last evaluated: 2017-09-01. Review status: no assertion criteria provided. Collection method: clinical testing. Allele origin: unknown. Not counted in ClinVar's aggregate classification.

Literature cited by the submitters: PubMed 24368688 (cited by 4 submitters); PubMed 17502162 (cited by 4 submitters); PubMed 32668217 (cited by Labcorp Genetics (formerly Invitae), Labcorp and Women's Health and Genetics/Laboratory Corporation of America, LabCorp); PubMed 31355225 (cited by Labcorp Genetics (formerly Invitae), Labcorp).

NM_000277.3(PAH):c.307G>T (p.Gly103Cys)

Gene: PAH (phenylalanine hydroxylase; minus strand). Cytogenetic location: 12q23.2.
Variant type: single nucleotide variant.
Coding change: c.307G>T on transcript NM_000277.3 (MANE Select); coding-DNA position 307, G replaced by T.
Protein change: p.Gly103Cys; replaces glycine 103 with cysteine.
Molecular consequence: missense variant.
Genome position (GRCh38, 1-based): chr12:102,894,780, C>A on the plus strand (G>T on the coding strand, the complement: PAH is on the minus strand). VCF-style: chr12-102894780-C-A. GRCh37 (hg19) VCF-style: chr12-103288558-C-A.
Other names: NM_000277.2(PAH):c.307G>T; p.Gly103Cys; c.307G>T, p.Gly103Cys (NM_001354304.2); short protein forms G103C.
Identifiers: ClinVar variation 553638 (VCV000553638.15), dbSNP rs752792040, ClinGen allele CA6748984.